The following is an entry in ClinVar:

ClinVar aggregate classification (germline): Likely benign. Review status: criteria provided, multiple submitters, no conflicts (2 of 4 stars). 4 submissions from 4 submitters: Likely benign (3). 1 of the submissions does not count toward it. Last evaluated 2025-12-25.

Conditions:
CENPF-related disorder. Also called: CENPF-related condition.

Allele frequency attached by ClinVar (database versions not stated): gnomAD exomes 0.00004 and 0.00012; ExAC 0.00014; gnomAD 0.00038 and 0.00040; TOPMed 0.00049; 1000 Genomes Project 30x 0.00094; 1000 Genomes Project 0.00100.
gnomAD v4.1: 117 of 1,613,500 alleles (0.0073%); highest among the groups gnomAD compares: African/African-American, 0.13%; no homozygotes.

Submissions (4):

Labcorp Genetics (formerly Invitae), Labcorp
Classification: Likely benign. Last evaluated: 2025-12-25. Review status: criteria provided, single submitter. Criteria: Invitae Variant Classification Sherloc (09022015). Collection method: clinical testing. Allele origin: germline.

Blueprint Genetics
Classification: Likely benign. Last evaluated: 2024-02-12. Review status: criteria provided, single submitter. Criteria: ACMG Guidelines, 2015. Collection method: clinical testing. Allele origin: germline.

Breakthrough Genomics
Classification: Likely benign. Review status: criteria provided, single submitter. Criteria: ACMG Guidelines, 2015. Collection method: not provided. Allele origin: germline. Inheritance: Autosomal recessive inheritance. Affected: yes.

PreventionGenetics, part of Exact Sciences
Classification: Likely benign for CENPF-related condition. Last evaluated: 2021-10-29. Review status: no assertion criteria provided. Collection method: clinical testing. Allele origin: germline. Not counted in ClinVar's aggregate classification.
Comment: This variant is classified as likely benign based on ACMG/AMP sequence variant interpretation guidelines (Richards et al. 2015 PMID: 25741868, with internal and published modifications).

NM_016343.4(CENPF):c.1323+10G>A

Gene: CENPF (centromere protein F; plus strand). Cytogenetic location: 1q41.
Variant type: single nucleotide variant.
Coding change: c.1323+10G>A on transcript NM_016343.4 (MANE Select); 10 bases into the intron after coding-DNA position 1323, G replaced by A.
Molecular consequence: intron variant.
Genome position (GRCh38, 1-based): chr1:214,630,672, G>A. VCF-style: chr1-214630672-G-A. GRCh37 (hg19) VCF-style: chr1-214804015-G-A.
Identifiers: ClinVar variation 732356 (VCV000732356.13), dbSNP rs538075920, ClinGen allele CA1389998.
Genomic context (GRCh38, chr1:214,630,672, plus strand): 5'-TTACAGCAAGCCAAGAATATGCACAACGTCCTGCAGGCTGAACTGGATAAAGTAGGGGCC[G>A]TGTCTCTCTCTCTCTCCTTAATCATCCCCTCTTGTTCCTTGTACTTGTTACTTCTCTACC-3'